The following is an entry in ClinVar:

ClinVar aggregate classification (germline): Pathogenic (1 of 4 stars; one submission).

Submission:

Labcorp Genetics (formerly Invitae), Labcorp
Classification: Pathogenic. Last evaluated: 2025-06-12. Review status: criteria provided, single submitter. Criteria: Invitae Variant Classification Sherloc (09022015). Collection method: clinical testing. Allele origin: germline.
Comment: This sequence change creates a premature translational stop signal (p.Leu165*) in the CD2AP gene. It is expected to result in an absent or disrupted protein product. Loss-of-function variants in CD2AP are known to be pathogenic (PMID: 10514378, 12764198, 17713465, 19131354, 30612599, 34408996). This variant is not present in population databases (gnomAD no frequency). This variant has not been reported in the literature in individuals affected with CD2AP-related conditions. ClinVar contains an entry for this variant (Variation ID: 3639749). For these reasons, this variant has been classified as Pathogenic.

Literature cited by the submitters: PubMed 10514378; PubMed 12764198; PubMed 17713465; PubMed 19131354; PubMed 30612599; PubMed 34408996.

NM_012120.3(CD2AP):c.494del (p.Glu164_Leu165insTer)

Gene: CD2AP (CD2 associated protein; plus strand). Cytogenetic location: 6p12.3.
Variant type: Deletion.
Coding change: c.494del on transcript NM_012120.3 (MANE Select); coding-DNA position 494, one base deleted (T; older notation c.494delT).
Protein change: p.Glu164_Leu165insTer.
Molecular consequence: nonsense.
Genome position (GRCh38, 1-based): chr6:47,554,719, T deleted; the last of 2 consecutive T bases (chr6:47,554,718-47,554,719); deleting either gives the same sequence. VCF-style (leftmost placement, unchanged base first): chr6-47554717-AT-A. GRCh37 (hg19) VCF-style: chr6-47522453-AT-A.
Identifiers: ClinVar variation 3639749 (VCV003639749.2).